The following is an entry in ClinVar:

NM_001030.6(RPS27):c.135G>C (p.Thr45=)

Genes: RPS27 (ribosomal protein S27; plus strand), LOC126805872 (BRD4-independent group 4 enhancer GRCh37_chr1:153962963-153964162; plus strand). Cytogenetic location: 1q21.3.
Variant type: single nucleotide variant.
Coding change: c.135G>C on transcript NM_001030.6 (MANE Select); coding-DNA position 135, G replaced by C.
Protein change: p.Thr45=; no amino-acid change (threonine 45 retained).
Molecular consequence: synonymous variant.
Genome position (GRCh38, 1-based): chr1:153,991,585, G>C. VCF-style: chr1-153991585-G-C. GRCh37 (hg19) VCF-style: chr1-153964061-G-C.
Other names: c.39G>C, p.Thr13= (NM_001349946.2, NM_001349947.2).
Identifiers: ClinVar variation 2173030 (VCV002173030.4), dbSNP rs757498323, ClinGen allele CA1123899.

ClinVar aggregate classification (germline): Uncertain significance (1 of 4 stars; one submission).

Allele frequency attached by ClinVar (database versions not stated): ExAC 0.00001; gnomAD 0.00002.
gnomAD v4.1: 6 of 1,612,514 alleles (0.00037%); highest among the groups gnomAD compares: Non-Finnish European, 0.00051%; no homozygotes.

Submission:

Labcorp Genetics (formerly Invitae), Labcorp
Classification: Uncertain significance. Last evaluated: 2023-04-17. Review status: criteria provided, single submitter. Criteria: Invitae Variant Classification Sherloc (09022015). Collection method: clinical testing. Allele origin: germline.
Comment: In summary, the available evidence is currently insufficient to determine the role of this variant in disease. Therefore, it has been classified as a Variant of Uncertain Significance. ClinVar contains an entry for this variant (Variation ID: 2173030). This variant has not been reported in the literature in individuals affected with RPS27-related conditions. The frequency data for this variant in the population databases is considered unreliable, as metrics indicate poor data quality at this position in the gnomAD database. This sequence change affects codon 45 of the RPS27 mRNA. It is a 'silent' change, meaning that it does not change the encoded amino acid sequence of the RPS27 protein.